The following is an entry in ClinVar:

NM_000179.3(MSH6):c.199C>A (p.Pro67Thr)

Gene: MSH6 (mutS homolog 6; plus strand). Cytogenetic location: 2p16.3.
Variant type: single nucleotide variant.
Coding change: c.199C>A on transcript NM_000179.3 (MANE Select); coding-DNA position 199, C replaced by A.
Protein change: p.Pro67Thr; replaces proline 67 with threonine.
Molecular consequence: missense variant. On other transcripts: 5 prime UTR variant (1).
Genome position (GRCh38, 1-based): chr2:47,783,432, C>A. VCF-style: chr2-47783432-C-A. GRCh37 (hg19) VCF-style: chr2-48010571-C-A.
Other names: c.199C>A, p.Pro67Thr (NM_001281492.2); c.-538C>A (NM_001281493.2); short protein forms P67T.
Identifiers: ClinVar variation 237149 (VCV000237149.27), dbSNP rs878853712, ClinGen allele CA10582034.

ClinVar aggregate classification (germline): Conflicting classifications of pathogenicity. Review status: criteria provided, conflicting classifications (1 of 4 stars). 7 submissions from 7 submitters: Uncertain significance (6); Benign (1). Last evaluated 2026-01-26.

Conditions:
Lynch syndrome 5 (LYNCH5). Also called: Colorectal cancer, hereditary nonpolyposis, type 5; Hereditary non-polyposis colorectal cancer, type 5. Identifiers: Orphanet 144, MedGen C1833477, MONDO:0013710, OMIM 614350. Disease mechanism: loss of function.
Endometrial carcinoma. Also called: Endometrial carcinoma, somatic. Identifiers: MedGen C0476089, MONDO:0002447, OMIM 608089, HP:0012114.
Mismatch repair cancer syndrome 3. Identifiers: MedGen C5436807, MONDO:0030841, OMIM 619097.
Hereditary cancer-predisposing syndrome. Also called: Neoplastic Syndromes, Hereditary; Hereditary Cancer Syndrome; Tumor predisposition; Hereditary neoplastic syndrome. Identifiers: Orphanet 140162, MedGen C0027672, MeSH D009386, MONDO:0015356.
Lynch syndrome. Identifiers: Orphanet 144, MedGen C4552100, MONDO:0005835. Disease mechanism: loss of function.
Hereditary nonpolyposis colorectal neoplasms. Identifiers: MedGen C0009405, MeSH D003123.

Allele frequency attached by ClinVar (database versions not stated): gnomAD exomes below 0.00001.
gnomAD v4.1: 1 of 1,501,316 alleles (0.000067%); highest among the groups gnomAD compares: Non-Finnish European, 0.000089%; no homozygotes.

Submissions (7):

Labcorp Genetics (formerly Invitae), Labcorp
Classification: Benign for Hereditary nonpolyposis colorectal neoplasms. Last evaluated: 2026-01-26. Review status: criteria provided, single submitter. Criteria: Invitae Variant Classification Sherloc (09022015). Collection method: clinical testing. Allele origin: germline.

Department of Pathology and Laboratory Medicine, Sinai Health System
Classification: Uncertain significance for Endometrial carcinoma; Lynch syndrome 5; Mismatch repair cancer syndrome 3. Last evaluated: 2024-07-08. Review status: criteria provided, single submitter. Criteria: ACMG Guidelines, 2015. Collection method: clinical testing. Allele origin: germline. Affected: no.

Color Diagnostics, LLC DBA Color Health
Classification: Uncertain significance for Hereditary cancer-predisposing syndrome. Last evaluated: 2024-03-06. Review status: criteria provided, single submitter. Criteria: ACMG Guidelines, 2015. Collection method: clinical testing. Allele origin: germline.
Comment: This missense variant replaces proline with threonine at codon 67 of the MSH6 protein. Computational prediction suggests that this variant may not impact protein structure and function (internally defined REVEL score threshold <= 0.5, PMID: 27666373). To our knowledge, functional studies have not been reported for this variant. This variant has not been reported in individuals affected with MSH6-related disorders in the literature. This variant has not been identified in the general population by the Genome Aggregation Database (gnomAD). The available evidence is insufficient to determine the role of this variant in disease conclusively. Therefore, this variant is classified as a Variant of Uncertain Significance.

Ambry Genetics
Classification: Uncertain significance for Hereditary cancer-predisposing syndrome. Last evaluated: 2023-06-30. Review status: criteria provided, single submitter. Criteria: Ambry Variant Classification Scheme 2023. Collection method: clinical testing. Allele origin: germline.
Comment: The p.P67T variant (also known as c.199C>A), located in coding exon 1 of the MSH6 gene, results from a C to A substitution at nucleotide position 199. The proline at codon 67 is replaced by threonine, an amino acid with highly similar properties. This amino acid position is not well conserved in available vertebrate species. In addition, this alteration is predicted to be tolerated by in silico analysis. Since supporting evidence is limited at this time, the clinical significance of this alteration remains unclear.

GeneDx
Classification: Uncertain significance. Last evaluated: 2023-05-01. Review status: criteria provided, single submitter. Criteria: GeneDx Variant Classification Process June 2021. Collection method: clinical testing. Allele origin: germline. Affected: yes.
Comment: Not observed at significant frequency in large population cohorts (gnomAD); In silico analysis, which includes protein predictors and evolutionary conservation, supports that this variant does not alter protein structure/function; Has not been previously published as pathogenic or benign to our knowledge

All of Us Research Program, National Institutes of Health
Classification: Uncertain significance for Lynch syndrome. Last evaluated: 2023-03-23. Review status: criteria provided, single submitter. Criteria: ACMG Guidelines, 2015. Collection method: clinical testing. Allele origin: germline. Inheritance: Autosomal dominant inheritance. Observed: 1 variant allele, 1 heterozygote.
Comment: This missense variant replaces proline with threonine at codon 67 of the MSH6 protein. Computational prediction tools and conservation analyses are inconclusive regarding the impact of this variant on protein structure and function. Splice site prediction tools suggest that this variant may not impact RNA splicing. To our knowledge, functional studies have not been performed for this variant. This variant has not been reported in individuals affected with hereditary cancer in the literature. This variant has not been identified in the general population by the Genome Aggregation Database (gnomAD). The available evidence is insufficient to determine the role of this variant in disease conclusively. Therefore, this variant is classified as a Variant of Uncertain Significance.

This study involves interpretation of variants in research participants for the purpose of population health screening. Participant phenotype was not available at the time of variant classification. Additional details can be found in publication PMID: 35346344, PMCID: PMC8962531

Blueprint Genetics
Classification: Uncertain significance. Last evaluated: 2023-02-14. Review status: criteria provided, single submitter. Criteria: ACMG Guidelines, 2015. Collection method: clinical testing. Allele origin: germline.